The following is an entry in ClinVar:

NC_000003.11:g.(?_43121161)_(43122943_?)dup

Gene: POMGNT2 (protein O-linked mannose N-acetylglucosaminyltransferase 2 (beta 1,4-); minus strand). Cytogenetic location: 3p22.1.
Variant type: Duplication.
Identifiers: ClinVar variation 540499 (VCV000540499.1).

ClinVar aggregate classification (germline): Uncertain significance (1 of 4 stars; one submission).

Conditions:
Muscular dystrophy-dystroglycanopathy (congenital with brain and eye anomalies), type a, 8 (MDDGA8). Also called: WALKER-WARBURG SYNDROME OR MUSCLE-EYE-BRAIN DISEASE, GTDC2-RELATED. Identifiers: Orphanet 899, MedGen C3553813, MONDO:0013904, OMIM 614830.

Submission:

Labcorp Genetics (formerly Invitae), Labcorp
Classification: Uncertain significance for Muscular dystrophy-dystroglycanopathy (congenital with brain and eye anomalies), type a, 8. Last evaluated: 2018-01-03. Review status: criteria provided, single submitter. Criteria: Invitae Variant Classification Sherloc (09022015). Collection method: clinical testing. Allele origin: germline.
Comment: A gross duplication of the genomic region encompassing the full coding sequence of the POMGNT2 gene has been identified. The boundaries of this event are unknown as the duplication extends beyond the assayed region for this gene and therefore may encompass additional genes. As the precise location of this duplication is unknown, it may be in tandem or it may be located elsewhere in the genome. This variant has not been reported in the literature in individuals with POMGNT2-related disease. In summary, the available evidence is currently insufficient to determine the role of this variant in disease. Therefore, it has been classified as a Variant of Uncertain Significance.